The following is an entry in ClinVar:

NM_020365.5(EIF2B3):c.785-17G>A

Gene: EIF2B3 (eukaryotic translation initiation factor 2B subunit gamma; minus strand). Cytogenetic location: 1p34.1.
Variant type: single nucleotide variant.
Coding change: c.785-17G>A on transcript NM_020365.5 (MANE Select); 17 bases into the intron before coding-DNA position 785, G replaced by A.
Molecular consequence: intron variant.
Genome position (GRCh38, 1-based): chr1:44,880,025, C>T on the plus strand (G>A on the coding strand, the complement: EIF2B3 is on the minus strand). VCF-style: chr1-44880025-C-T. GRCh37 (hg19) VCF-style: chr1-45345697-C-T.
Other names: c.785-17G>A (NM_001261418.2, NM_001166588.3).
Identifiers: ClinVar variation 1475679 (VCV001475679.5), dbSNP rs1223606942, ClinGen allele CA522549367.

ClinVar aggregate classification (germline): Uncertain significance (1 of 4 stars; one submission).

Allele frequency attached by ClinVar (database versions not stated): gnomAD exomes below 0.00001 and 0.00001; gnomAD 0.00001; TOPMed 0.00001.
gnomAD v4.1: 14 of 1,613,046 alleles (0.00087%); highest among the groups gnomAD compares: Non-Finnish European, 0.0012%; no homozygotes.

Submission:

Labcorp Genetics (formerly Invitae), Labcorp
Classification: Uncertain significance. Last evaluated: 2021-08-13. Review status: criteria provided, single submitter. Criteria: Invitae Variant Classification Sherloc (09022015). Collection method: clinical testing. Allele origin: germline.
Comment: This sequence change falls in intron 7 of the EIF2B3 gene. It does not directly change the encoded amino acid sequence of the EIF2B3 protein. This variant is not present in population databases (ExAC no frequency). This variant has not been reported in the literature in individuals affected with EIF2B3-related conditions. Algorithms developed to predict the effect of sequence changes on RNA splicing suggest that this variant may create or strengthen a splice site. In summary, the available evidence is currently insufficient to determine the role of this variant in disease. Therefore, it has been classified as a Variant of Uncertain Significance.